The following is an entry in ClinVar:

ClinVar aggregate classification (germline): Uncertain significance. Review status: criteria provided, multiple submitters, no conflicts (2 of 4 stars). 2 submissions from 2 submitters: Uncertain significance (2). Last evaluated 2025-05-19.

Conditions:
Inborn genetic diseases. Identifiers: MedGen C0950123, MeSH D030342.

gnomAD v4.1: 8 of 1,614,070 alleles (0.0005%); highest among the groups gnomAD compares: East Asian, 0.018%; no homozygotes.

Submissions (2):

Ambry Genetics
Classification: Uncertain significance for Inborn genetic diseases. Last evaluated: 2025-05-19. Review status: criteria provided, single submitter. Criteria: Ambry Variant Classification Scheme 2023. Collection method: clinical testing. Allele origin: germline.

Labcorp Genetics (formerly Invitae), Labcorp
Classification: Uncertain significance. Last evaluated: 2021-10-28. Review status: criteria provided, single submitter. Criteria: Invitae Variant Classification Sherloc (09022015). Collection method: clinical testing. Allele origin: germline.
Comment: This sequence change replaces aspartic acid, which is acidic and polar, with alanine, which is neutral and non-polar, at codon 476 of the SLC30A10 protein (p.Asp476Ala). This variant is present in population databases (rs774446472, gnomAD 0.07%). This variant has not been reported in the literature in individuals affected with SLC30A10-related conditions. Algorithms developed to predict the effect of missense changes on protein structure and function (SIFT, PolyPhen-2, Align-GVGD) all suggest that this variant is likely to be tolerated. In summary, the available evidence is currently insufficient to determine the role of this variant in disease. Therefore, it has been classified as a Variant of Uncertain Significance.

NM_018713.3(SLC30A10):c.1427A>C (p.Asp476Ala)

Gene: SLC30A10 (solute carrier family 30 member 10; minus strand). Cytogenetic location: 1q41.
Variant type: single nucleotide variant.
Coding change: c.1427A>C on transcript NM_018713.3 (MANE Select); coding-DNA position 1427, A replaced by C.
Protein change: p.Asp476Ala; replaces aspartic acid 476 with alanine.
Molecular consequence: missense variant. On other transcripts: non-coding transcript variant (2).
Genome position (GRCh38, 1-based): chr1:219,915,480, T>G on the plus strand (A>C on the coding strand, the complement: SLC30A10 is on the minus strand). VCF-style: chr1-219915480-T-G. GRCh37 (hg19) VCF-style: chr1-220088822-T-G.
Other names: c.1427A>C (NM_018713.2); c.1238A>C, p.Asp413Ala (NM_001376929.1); short protein forms D413A, D476A.
Identifiers: ClinVar variation 1463294 (VCV001463294.5), dbSNP rs774446472, ClinGen allele CA1399107.